The following is an entry in ClinVar:

ClinVar aggregate classification (germline): Uncertain significance (1 of 4 stars; one submission).

Conditions:
Ehlers-Danlos syndrome, classic type, 1 (EDSCL1). Also called: EHLERS-DANLOS SYNDROME, GRAVIS TYPE; EHLERS-DANLOS SYNDROME, SEVERE CLASSIC TYPE; Ehlers-Danlos syndrome, type 1; Ehlers-Danlos Syndrome, Classic Type, COL5A1-Related; EDS I. Identifiers: MedGen C0268335, MONDO:0019567, OMIM 130000.
Osteogenesis imperfecta type I (OI1). Also called: OI, TYPE I; OSTEOGENESIS IMPERFECTA TARDA; OSTEOGENESIS IMPERFECTA WITH BLUE SCLERAE; Osteogenesis imperfecta type 1; Lobstein's Disease; Lobstein disease. Identifiers: Orphanet 216796, Orphanet 666, MedGen C0023931, MONDO:0008146, OMIM 166200. Disease mechanism: loss of function.

gnomAD v4.1: 1 of 1,603,504 alleles (0.000062%); highest among the groups gnomAD compares: Non-Finnish European, 0.000085%; no homozygotes.

Submission:

Labcorp Genetics (formerly Invitae), Labcorp
Classification: Uncertain significance for Osteogenesis imperfecta type I; Ehlers-Danlos syndrome, classic type, 1. Last evaluated: 2024-05-15. Review status: criteria provided, single submitter. Criteria: Invitae Variant Classification Sherloc (09022015). Collection method: clinical testing. Allele origin: germline.
Comment: This sequence change replaces valine, which is neutral and non-polar, with phenylalanine, which is neutral and non-polar, at codon 759 of the COL1A2 protein (p.Val759Phe). This variant is not present in population databases (gnomAD no frequency). This variant has not been reported in the literature in individuals affected with COL1A2-related conditions. Advanced modeling of protein sequence and biophysical properties (such as structural, functional, and spatial information, amino acid conservation, physicochemical variation, residue mobility, and thermodynamic stability) has been performed at Invitae for this missense variant, however the output from this modeling did not meet the statistical confidence thresholds required to predict the impact of this variant on COL1A2 protein function. In summary, the available evidence is currently insufficient to determine the role of this variant in disease. Therefore, it has been classified as a Variant of Uncertain Significance.

NM_000089.4(COL1A2):c.2275G>T (p.Val759Phe)

Gene: COL1A2 (collagen type I alpha 2 chain; plus strand). Cytogenetic location: 7q21.3.
Variant type: single nucleotide variant.
Coding change: c.2275G>T on transcript NM_000089.4 (MANE Select); coding-DNA position 2275, G replaced by T.
Protein change: p.Val759Phe; replaces valine 759 with phenylalanine.
Molecular consequence: missense variant.
Genome position (GRCh38, 1-based): chr7:94,420,628, G>T. VCF-style: chr7-94420628-G-T. GRCh37 (hg19) VCF-style: chr7-94049940-G-T.
Other names: short protein forms V759F.
Identifiers: ClinVar variation 3763722 (VCV003763722.2).